The following is an entry in ClinVar:

ClinVar aggregate classification (germline): Uncertain significance (1 of 4 stars; one submission).

Submission:

Ambry Genetics
Classification: Uncertain significance. Last evaluated: 2023-06-08. Review status: criteria provided, single submitter. Criteria: Ambry Variant Classification Scheme 2023. Collection method: clinical testing. Allele origin: germline.
Comment: The p.V896L variant (also known as c.2686G>C), located in coding exon 24 of the PRKDC gene, results from a G to C substitution at nucleotide position 2686. The valine at codon 896 is replaced by leucine, an amino acid with highly similar properties. This amino acid position is conserved. In addition, this alteration is predicted to be tolerated by in silico analysis. Since supporting evidence is limited at this time, the clinical significance of this alteration remains unclear.

NM_006904.7(PRKDC):c.2686G>C (p.Val896Leu)

Gene: PRKDC (protein kinase, DNA-activated, catalytic subunit; minus strand). Cytogenetic location: 8q11.21.
Variant type: single nucleotide variant.
Coding change: c.2686G>C on transcript NM_006904.7 (MANE Select); coding-DNA position 2686, G replaced by C.
Protein change: p.Val896Leu; replaces valine 896 with leucine.
Molecular consequence: missense variant.
Genome position (GRCh38, 1-based): chr8:47,913,996, C>G on the plus strand (G>C on the coding strand, the complement: PRKDC is on the minus strand). VCF-style: chr8-47913996-C-G. GRCh37 (hg19) VCF-style: chr8-48826556-C-G.
Other names: c.2686G>C, p.Val896Leu (NM_001081640.2); short protein forms V896L.
Identifiers: ClinVar variation 2561900 (VCV002561900.2), dbSNP rs2551876865, ClinGen allele CA371159365.
Genomic context (GRCh38, chr8:47,913,996, plus strand): 5'-CTGTGACTCGAGGCAGGAACACATCCAGGAAAATGACAGGTTTCATCTCTCTAAAGGGCA[C>G]TGCAAAGCTCAGCCGCTTCTCTCTGTCCCAGGCCACATAGCTCTTCATCATCTCATCTGA-3'
Protein context (NP_008835.5, residues 886-906): WDREKRLSFA[Val896Leu]PFREMKPVIF